The following is an entry in ClinVar:

NM_017802.4(DNAAF5):c.238C>T (p.Arg80Cys)

Genes: DNAAF5 (dynein axonemal assembly factor 5; plus strand), PRKAR1B (protein kinase cAMP-dependent type I regulatory subunit beta; minus strand), LOC129997730 (ATAC-STARR-seq lymphoblastoid silent region 17816; plus strand). Cytogenetic location: 7p22.3.
Variant type: single nucleotide variant.
Coding change: c.238C>T on transcript NM_017802.4 (MANE Select); coding-DNA position 238, C replaced by T.
Protein change: p.Arg80Cys; replaces arginine 80 with cysteine.
Molecular consequence: missense variant. On other transcripts: non-coding transcript variant (1), intron variant (3).
Genome position (GRCh38, 1-based): chr7:726,958, C>T. VCF-style: chr7-726958-C-T. GRCh37 (hg19) VCF-style: chr7-766595-C-T.
Other names: c.-23+697G>A (NM_001164759.1); c.-23+632G>A (NM_001164758.2); c.-23+252G>A (NM_001164760.2); short protein forms R80C.
Identifiers: ClinVar variation 1516528 (VCV001516528.7), dbSNP rs928452266, ClinGen allele CA152333402.

ClinVar aggregate classification (germline): Uncertain significance. Review status: criteria provided, multiple submitters, no conflicts (2 of 4 stars). 2 submissions from 2 submitters: Uncertain significance (2). Last evaluated 2024-03-06.

Conditions:
Primary ciliary dyskinesia. Also called: Ciliary dyskinesia. Identifiers: Orphanet 244, MedGen C0008780, MONDO:0016575, HP:0012265.

Allele frequency attached by ClinVar (database versions not stated): gnomAD 0.00003 and 0.00004; gnomAD exomes 0.00003; 1000 Genomes Project 30x 0.00016.
gnomAD v4.1: 22 of 1,323,458 alleles (0.0017%); highest among the groups gnomAD compares: East Asian, 0.0069%; no homozygotes.

Submissions (2):

Blueprint Genetics
Classification: Uncertain significance. Last evaluated: 2024-03-06. Review status: criteria provided, single submitter. Criteria: ACMG Guidelines, 2015. Collection method: clinical testing. Allele origin: germline.

Labcorp Genetics (formerly Invitae), Labcorp
Classification: Uncertain significance for Primary ciliary dyskinesia. Last evaluated: 2023-10-02. Review status: criteria provided, single submitter. Criteria: Invitae Variant Classification Sherloc (09022015). Collection method: clinical testing. Allele origin: germline.
Comment: In summary, the available evidence is currently insufficient to determine the role of this variant in disease. Therefore, it has been classified as a Variant of Uncertain Significance. Advanced modeling of protein sequence and biophysical properties (such as structural, functional, and spatial information, amino acid conservation, physicochemical variation, residue mobility, and thermodynamic stability) performed at Invitae indicates that this missense variant is expected to disrupt DNAAF5 protein function. ClinVar contains an entry for this variant (Variation ID: 1516528). This variant has not been reported in the literature in individuals affected with DNAAF5-related conditions. The frequency data for this variant in the population databases is considered unreliable, as metrics indicate poor data quality at this position in the gnomAD database. This sequence change replaces arginine, which is basic and polar, with cysteine, which is neutral and slightly polar, at codon 80 of the DNAAF5 protein (p.Arg80Cys).